The following is an entry in ClinVar:

ClinVar aggregate classification (germline): Uncertain significance. Review status: criteria provided, multiple submitters, no conflicts (2 of 4 stars). 2 submissions from 2 submitters: Uncertain significance (2). Last evaluated 2024-01-23.

Conditions:
Inborn genetic diseases. Identifiers: MedGen C0950123, MeSH D030342.
RFT1-congenital disorder of glycosylation (CDG1N). Also called: RFT1-CDG; Congenital disorder of glycosylation type In; CDG In. Identifiers: Orphanet 244310, MedGen C2677590, MONDO:0012783, OMIM 612015.

Allele frequency attached by ClinVar (database versions not stated): TOPMed below 0.00001; gnomAD exomes 0.00001.
gnomAD v4.1: 9 of 1,612,248 alleles (0.00056%); highest among the groups gnomAD compares: South Asian, 0.0033%; no homozygotes.

Submissions (2):

Ambry Genetics
Classification: Uncertain significance for Inborn genetic diseases. Last evaluated: 2024-01-23. Review status: criteria provided, single submitter. Criteria: Ambry Variant Classification Scheme 2023. Collection method: clinical testing. Allele origin: germline.

Labcorp Genetics (formerly Invitae), Labcorp
Classification: Uncertain significance for RFT1-congenital disorder of glycosylation. Last evaluated: 2022-09-01. Review status: criteria provided, single submitter. Criteria: Invitae Variant Classification Sherloc (09022015). Collection method: clinical testing. Allele origin: germline.
Comment: This sequence change replaces arginine, which is basic and polar, with histidine, which is basic and polar, at codon 452 of the RFT1 protein (p.Arg452His). This variant is present in population databases (rs372822382, gnomAD 0.003%). This variant has not been reported in the literature in individuals affected with RFT1-related conditions. ClinVar contains an entry for this variant (Variation ID: 1443948). Algorithms developed to predict the effect of missense changes on protein structure and function output the following: SIFT: "Tolerated"; PolyPhen-2: "Benign"; Align-GVGD: "Class C0". The histidine amino acid residue is found in multiple mammalian species, which suggests that this missense change does not adversely affect protein function. In summary, the available evidence is currently insufficient to determine the role of this variant in disease. Therefore, it has been classified as a Variant of Uncertain Significance.

NM_052859.4(RFT1):c.1355G>A (p.Arg452His)

Gene: RFT1 (RFT1 glycolipid translocator homolog; minus strand). Cytogenetic location: 3p21.1.
Variant type: single nucleotide variant.
Coding change: c.1355G>A on transcript NM_052859.4 (MANE Select); coding-DNA position 1355, G replaced by A.
Protein change: p.Arg452His; replaces arginine 452 with histidine.
Molecular consequence: missense variant.
Genome position (GRCh38, 1-based): chr3:53,092,472, C>T on the plus strand (G>A on the coding strand, the complement: RFT1 is on the minus strand). VCF-style: chr3-53092472-C-T. GRCh37 (hg19) VCF-style: chr3-53126488-C-T.
Other names: c.1355G>A (NM_052859.3); short protein forms R452H.
Identifiers: ClinVar variation 1443948 (VCV001443948.5), dbSNP rs372822382, ClinGen allele CA74822768.